The following is an entry in ClinVar:

ClinVar aggregate classification (germline): Likely benign (0 of 4 stars; one submission).

Conditions:
ALMS1-related disorder. Also called: ALMS1-related condition.

Submission:

PreventionGenetics, part of Exact Sciences
Classification: Likely benign for ALMS1-related condition. Last evaluated: 2022-03-08. Review status: no assertion criteria provided. Collection method: clinical testing. Allele origin: germline.
Comment: This variant is classified as likely benign based on ACMG/AMP sequence variant interpretation guidelines (Richards et al. 2015 PMID: 25741868, with internal and published modifications).

NM_001378454.1(ALMS1):c.11661A>G (p.Ile3887Met)

Gene: ALMS1 (ALMS1 centrosome and basal body associated protein; plus strand). Cytogenetic location: 2p13.1.
Variant type: single nucleotide variant.
Coding change: c.11661A>G on transcript NM_001378454.1 (MANE Select); coding-DNA position 11661, A replaced by G.
Protein change: p.Ile3887Met; replaces isoleucine 3887 with methionine.
Molecular consequence: missense variant.
Genome position (GRCh38, 1-based): chr2:73,599,514, A>G. VCF-style: chr2-73599514-A-G. GRCh37 (hg19) VCF-style: chr2-73826641-A-G.
Other names: c.11664A>G, p.Ile3888Met (NM_015120.4); short protein forms I3887M, I3888M.
Identifiers: ClinVar variation 3355488 (VCV003355488.1).